The following is an entry in ClinVar:

ClinVar aggregate classification (germline): Likely benign (1 of 4 stars; one submission).

Submission:

CeGaT Center for Human Genetics Tuebingen
Classification: Likely benign. Last evaluated: 2024-10-01. Review status: criteria provided, single submitter. Criteria: CeGaT Center For Human Genetics Tuebingen Variant Classification Criteria Version 2. Collection method: clinical testing. Allele origin: germline. Affected: yes. Observed: 1 variant allele.
Comment: SPTBN4: PM2:Supporting, BP4, BP7

NM_020971.3(SPTBN4):c.3282A>G (p.Leu1094=)

Gene: SPTBN4 (spectrin beta, non-erythrocytic 4; plus strand). Cytogenetic location: 19q13.2.
Variant type: single nucleotide variant.
Coding change: c.3282A>G on transcript NM_020971.3 (MANE Select); coding-DNA position 3282, A replaced by G.
Protein change: p.Leu1094=; no amino-acid change (leucine 1094 retained).
Molecular consequence: synonymous variant.
Genome position (GRCh38, 1-based): chr19:40,519,779, A>G. VCF-style: chr19-40519779-A-G. GRCh37 (hg19) VCF-style: chr19-41025686-A-G.
Identifiers: ClinVar variation 3389283 (VCV003389283.14).